The following is an entry in ClinVar:

ClinVar aggregate classification (germline): Uncertain significance. Review status: criteria provided, multiple submitters, no conflicts (2 of 4 stars). 2 submissions from 2 submitters: Uncertain significance (2). Last evaluated 2021-10-19.

Conditions:
Fanconi anemia (FA). Also called: Fanconi's anemia. Identifiers: Orphanet 84, MedGen C0015625, MeSH D005199, MONDO:0019391.
Fanconi anemia complementation group I (FANCI). Also called: FANCI-Related Fanconi Anemia. Identifiers: Orphanet 84, MedGen C1836861, MONDO:0012186, OMIM 609053.

Allele frequency attached by ClinVar (database versions not stated): gnomAD 0.00001.
gnomAD v4.1: 1 of 1,614,042 alleles (0.000062%); highest among the groups gnomAD compares: Admixed American, 0.0017%; no homozygotes.

Submissions (2):

Fulgent Genetics
Classification: Uncertain significance for Fanconi anemia complementation group I. Last evaluated: 2021-10-19. Review status: criteria provided, single submitter. Criteria: ACMG Guidelines, 2015. Collection method: clinical testing. Allele origin: unknown.

Labcorp Genetics (formerly Invitae), Labcorp
Classification: Uncertain significance for Fanconi anemia. Last evaluated: 2020-12-20. Review status: criteria provided, single submitter. Criteria: Invitae Variant Classification Sherloc (09022015). Collection method: clinical testing. Allele origin: germline.
Comment: This sequence change replaces isoleucine with leucine at codon 784 of the FANCI protein (p.Ile784Leu). The isoleucine residue is highly conserved and there is a small physicochemical difference between isoleucine and leucine. This variant is not present in population databases (ExAC no frequency). This variant has not been reported in the literature in individuals with FANCI-related conditions. Algorithms developed to predict the effect of missense changes on protein structure and function (SIFT, PolyPhen-2, Align-GVGD) all suggest that this variant is likely to be tolerated, but these predictions have not been confirmed by published functional studies and their clinical significance is uncertain. In summary, the available evidence is currently insufficient to determine the role of this variant in disease. Therefore, it has been classified as a Variant of Uncertain Significance.

NM_001113378.2(FANCI):c.2350A>C (p.Ile784Leu)

Gene: FANCI (FA complementation group I; plus strand). Cytogenetic location: 15q26.1.
Variant type: single nucleotide variant.
Coding change: c.2350A>C on transcript NM_001113378.2 (MANE Select); coding-DNA position 2350, A replaced by C.
Protein change: p.Ile784Leu; replaces isoleucine 784 with leucine.
Molecular consequence: missense variant.
Genome position (GRCh38, 1-based): chr15:89,293,891, A>C. VCF-style: chr15-89293891-A-C. GRCh37 (hg19) VCF-style: chr15-89837122-A-C.
Other names: c.2071A>C, p.Ile691Leu (NM_001376910.1); c.2350A>C, p.Ile784Leu (NM_001376911.1, NM_018193.3); short protein forms I784L, I691L.
Identifiers: ClinVar variation 1386408 (VCV001386408.9), dbSNP rs1421332670, ClinGen allele CA393750175.
Genomic context (GRCh38, chr15:89,293,891, plus strand): 5'-AGTAAGAATAGGTTTGAGGACATTCTGAGCTTATTTATGTGTTACAAAAAACTCTCTGAC[A>C]TTCTTAATGAAAAAGCGGGTAAAGCCAAAACTAAAATGGCCAACAAGACAAGTGATAGTC-3'
Protein context (NP_001106849.1, residues 774-794): LFMCYKKLSD[Ile784Leu]LNEKAGKAKT